The following is an entry in ClinVar:

NM_000088.4(COL1A1):c.1002+10G>T

Gene: COL1A1 (collagen type I alpha 1 chain; minus strand). Cytogenetic location: 17q21.33.
Variant type: single nucleotide variant.
Coding change: c.1002+10G>T on transcript NM_000088.4 (MANE Select); 10 bases into the intron after coding-DNA position 1002, G replaced by T.
Molecular consequence: intron variant.
Genome position (GRCh38, 1-based): chr17:50,196,145, C>A on the plus strand (G>T on the coding strand, the complement: COL1A1 is on the minus strand). VCF-style: chr17-50196145-C-A. GRCh37 (hg19) VCF-style: chr17-48273506-C-A.
Identifiers: ClinVar variation 324114 (VCV000324114.26), dbSNP rs368316440, ClinGen allele CA8645452.
Genomic context (GRCh38, chr17:50,196,145, plus strand): 5'-GTCAGCCCCAAGAGCAGATACTGAGACCCCTCCCCACTCCCAGGCCCTGAGGCCTACAGG[C>A]CACACTCACAGGGGGCCCGGCAGCACCAGTAGCACCATCATTTCCACGAGCACCCTGCAG-3'

ClinVar aggregate classification (germline): Conflicting classifications of pathogenicity. Review status: criteria provided, conflicting classifications (1 of 4 stars). 9 submissions from 7 submitters: Uncertain significance (1); Benign (3); Likely benign (5). Last evaluated 2026-01-13.

Conditions:
Ehlers-Danlos syndrome (EDS). Identifiers: Orphanet 98249, MedGen C0013720, MONDO:0020066.
Ehlers-Danlos syndrome, arthrochalasia type. Also called: ARTHROCHALASIS MULTIPLEX CONGENITA; EDS VII, MUTANT PROCOLLAGEN TYPE; EDS VIIA; Ehlers-Danlos syndrome, arthrochalasia type, 1; Ehlers-Danlos syndrome, arthrochalasis type. Identifiers: Orphanet 1899, Orphanet 99875, Orphanet 99876, MedGen C4551623, MONDO:0007525, OMIM 130060.
Infantile cortical hyperostosis. Also called: P1PK BLOOD GROUP SYSTEM, P(2) PHENOTYPE; Hyperostosis, Cortical, Congenital; Caffey Disease. Identifiers: Orphanet 1310, MedGen C0020497, MONDO:0007244, OMIM 114000.
Osteogenesis imperfecta (OI). Identifiers: Orphanet 666, MedGen C0029434, MeSH D010013, MONDO:0019019.
Osteogenesis imperfecta type I (OI1). Also called: Classic Non-deforming Osteogenesis Imperfecta with Blue Sclerae; Lobstein disease; OI, TYPE I; OSTEOGENESIS IMPERFECTA TARDA; OSTEOGENESIS IMPERFECTA WITH BLUE SCLERAE; Osteogenesis imperfecta type 1. Identifiers: Orphanet 216796, Orphanet 666, MedGen C0023931, MONDO:0008146, OMIM 166200. Disease mechanism: loss of function.

Allele frequency attached by ClinVar (database versions not stated): ESP Exome Variant Server 0.00023; TOPMed 0.00026; gnomAD 0.00031; ExAC 0.00036; gnomAD exomes 0.00044.
gnomAD v4.1: 343 of 1,613,926 alleles (0.021%); highest among the groups gnomAD compares: Admixed American, 0.0083%; no homozygotes.

Submissions (9):

Labcorp Genetics (formerly Invitae), Labcorp
Classification: Likely benign for Osteogenesis imperfecta type I. Last evaluated: 2026-01-13. Review status: criteria provided, single submitter. Criteria: Invitae Variant Classification Sherloc (09022015). Collection method: clinical testing. Allele origin: germline.

Women's Health and Genetics/Laboratory Corporation of America, LabCorp
Classification: Benign. Last evaluated: 2025-01-07. Review status: criteria provided, single submitter. Criteria: LabCorp Variant Classification Summary - May 2015. Collection method: clinical testing. Allele origin: germline.
Comment: Variant summary: COL1A1 c.1002+10G>T alters a nucleotide located at a position not widely known to affect splicing. Consensus agreement among computation tools predict no significant impact on normal splicing. However, these predictions have yet to be confirmed by functional studies. The variant allele was found at a frequency of 0.00044 in 250882 control chromosomes. The observed variant frequency is approximately 15.59 fold of the estimated maximal expected allele frequency for a pathogenic variant in COL1A1 causing Osteogenesis Imperfecta phenotype (2.8e-05). To our knowledge, no occurrence of c.1002+10G>T in individuals affected with Osteogenesis Imperfecta and no experimental evidence demonstrating its impact on protein function have been reported. ClinVar contains an entry for this variant (Variation ID: 324114). Based on the evidence outlined above, the variant was classified as benign.

Blueprint Genetics
Classification: Likely benign. Last evaluated: 2024-10-18. Review status: criteria provided, single submitter. Criteria: ACMG Guidelines, 2015. Collection method: clinical testing. Allele origin: germline.

Genome Diagnostics Laboratory, The Hospital for Sick Children
Classification: Likely benign for Ehlers-Danlos syndrome. Last evaluated: 2021-11-29. Review status: criteria provided, single submitter. Criteria: ACMG Guidelines, 2015. Collection method: clinical testing. Allele origin: germline.

GeneDx
Classification: Likely benign. Last evaluated: 2018-03-27. Review status: criteria provided, single submitter. Criteria: GeneDx Variant Classification (06012015). Collection method: clinical testing. Allele origin: germline. Affected: yes.
Comment: This variant is considered likely benign or benign based on one or more of the following criteria: it is a conservative change, it occurs at a poorly conserved position in the protein, it is predicted to be benign by multiple in silico algorithms, and/or has population frequency not consistent with disease.

Illumina Laboratory Services, Illumina
Classification: Likely benign for Osteogenesis imperfecta. Last evaluated: 2018-01-13. Review status: criteria provided, single submitter. Criteria: ICSL Variant Classification Criteria 13 December 2019. Collection method: clinical testing. Allele origin: germline.
Comment: This variant was observed in the ICSL laboratory as part of a predisposition screen in an ostensibly healthy population. It had not been previously curated by ICSL or reported in the Human Gene Mutation Database (HGMD: prior to June 1st, 2018), and was therefore a candidate for classification through an automated scoring system. Utilizing variant allele frequency, disease prevalence and penetrance estimates, and inheritance mode, an automated score was calculated to assess if this variant is too frequent to cause the disease. Based on the score and internal cut-off values, a variant classified as likely benign is not then subjected to further curation. The score for this variant resulted in a classification of likely benign for this disease.

Illumina Laboratory Services, Illumina
Classification: Uncertain significance for Infantile cortical hyperostosis. Last evaluated: 2018-01-13. Review status: criteria provided, single submitter. Criteria: ICSL Variant Classification Criteria 13 December 2019. Collection method: clinical testing. Allele origin: germline.

Illumina Laboratory Services, Illumina
Classification: Benign for Ehlers-Danlos syndrome, arthrochalasia type. Last evaluated: 2018-01-13. Review status: criteria provided, single submitter. Criteria: ICSL Variant Classification Criteria 13 December 2019. Collection method: clinical testing. Allele origin: germline.
Comment: This variant was observed in the ICSL laboratory as part of a predisposition screen in an ostensibly healthy population. It had not been previously curated by ICSL or reported in the Human Gene Mutation Database (HGMD: prior to June 1st, 2018), and was therefore a candidate for classification through an automated scoring system. Utilizing variant allele frequency, disease prevalence and penetrance estimates, and inheritance mode, an automated score was calculated to assess if this variant is too frequent to cause the disease. Based on the score and internal cut-off values, a variant classified as benign is not then subjected to further curation. The score for this variant resulted in a classification of benign for this disease.

Eurofins Ntd Llc (ga)
Classification: Benign. Last evaluated: 2017-11-15. Review status: criteria provided, single submitter. Criteria: EGL Classification Definitions 2015. Collection method: clinical testing. Allele origin: germline. Observed: 1 variant allele, 1 heterozygote.